The following is an entry in ClinVar:

ClinVar aggregate classification (germline): Likely benign (1 of 4 stars; one submission).

gnomAD v4.1: 1 of 1,545,968 alleles (0.000065%); highest among the groups gnomAD compares: Non-Finnish European, 0.000087%; no homozygotes.

Submission:

GeneDx
Classification: Likely benign. Last evaluated: 2016-09-16. Review status: criteria provided, single submitter. Criteria: GeneDx Variant Classification (06012015). Collection method: clinical testing. Allele origin: germline. Affected: yes.
Comment: This variant is considered likely benign or benign based on one or more of the following criteria: it is a conservative change, it occurs at a poorly conserved position in the protein, it is predicted to be benign by multiple in silico algorithms, and/or has population frequency not consistent with disease.

NM_025219.3(DNAJC5):c.*18G>A

Gene: DNAJC5 (DnaJ heat shock protein family (Hsp40) member C5; plus strand). Cytogenetic location: 20q13.33.
Variant type: single nucleotide variant.
Coding change: c.*18G>A on transcript NM_025219.3 (MANE Select); 18 bases downstream of the stop codon, G replaced by A.
Molecular consequence: 3 prime UTR variant.
Genome position (GRCh38, 1-based): chr20:63,931,586, G>A. VCF-style: chr20-63931586-G-A. GRCh37 (hg19) VCF-style: chr20-62562939-G-A.
Identifiers: ClinVar variation 389305 (VCV000389305.1), dbSNP rs1057523397, ClinGen allele CA16609058.